The following is an entry in ClinVar:

ClinVar aggregate classification (germline): Uncertain significance (0 of 4 stars; one submission).

Allele frequency attached by ClinVar (database versions not stated): gnomAD exomes below 0.00001.
gnomAD v4.1: 5 of 1,614,078 alleles (0.00031%); highest among the groups gnomAD compares: Non-Finnish European, 0.00042%; no homozygotes.

Submission:

Department of Pathology and Laboratory Medicine, Sinai Health System
Classification: Uncertain significance. Review status: no assertion criteria provided. Collection method: clinical testing. Allele origin: unknown. Affected: yes. Study: The Canadian Open Genetics Repository (COGR).
Comment: The COL9A1 p.Ser635Tyr variant was not identified in the literature nor was it identified in dbSNP, ClinVar, Cosmic or LOVD 3.0. The variant was also not identified in the following control databases: the 1000 Genomes Project, the NHLBI GO Exome Sequencing Project, the Exome Aggregation Consortium (August 8th 2016), or the Genome Aggregation Database (Feb 27, 2017). The variant occurs outside of the splicing consensus sequence and in silico or computational prediction software programs (SpliceSiteFinder, MaxEntScan, NNSPLICE, GeneSplicer) do not predict a difference in splicing. Although the p.Ser635 residue is not conserved in some mammals and other organisms, computational analyses (PolyPhen-2, SIFT, AlignGVGD, BLOSUM, MutationTaster) suggest that the S variant may impact the protein, however this is not predictive enough to assume pathogenicity. In summary, based on the above information the clinical significance of this variant cannot be determined with certainty at this time. This variant is classified as a variant of uncertain significance.

NM_001851.6(COL9A1):c.1904C>A (p.Ser635Tyr)

Gene: COL9A1 (collagen type IX alpha 1 chain; minus strand). Cytogenetic location: 6q13.
Variant type: single nucleotide variant.
Coding change: c.1904C>A on transcript NM_001851.6 (MANE Select); coding-DNA position 1904, C replaced by A.
Protein change: p.Ser635Tyr; replaces serine 635 with tyrosine.
Molecular consequence: missense variant. On other transcripts: non-coding transcript variant (1).
Genome position (GRCh38, 1-based): chr6:70,242,684, G>T on the plus strand (C>A on the coding strand, the complement: COL9A1 is on the minus strand). VCF-style: chr6-70242684-G-T. GRCh37 (hg19) VCF-style: chr6-70952387-G-T.
Other names: c.1205C>A, p.Ser402Tyr (NM_001377289.1); c.1175C>A, p.Ser392Tyr (NM_001377290.1, NM_078485.4); short protein forms S392Y, S402Y, S635Y.
Identifiers: ClinVar variation 1050157 (VCV001050157.1), dbSNP rs2127566645, ClinGen allele CA364675838.